The following is an entry in ClinVar:

ClinVar aggregate classification (germline): Pathogenic (1 of 4 stars; one submission).

Conditions:
Glycogen storage disease due to muscle and heart glycogen synthase deficiency. Also called: GSD 0b; MUSCLE GLYCOGEN SYNTHASE DEFICIENCY. Identifiers: Orphanet 137625, MedGen C1969054, MONDO:0012693, OMIM 611556.

Allele frequency attached by ClinVar (database versions not stated): TOPMed below 0.00001; ExAC 0.00001; gnomAD 0.00001; gnomAD exomes 0.00001.

Submission:

Labcorp Genetics (formerly Invitae), Labcorp
Classification: Pathogenic for Glycogen storage disease due to muscle and heart glycogen synthase deficiency. Last evaluated: 2024-04-02. Review status: criteria provided, single submitter. Criteria: Invitae Variant Classification Sherloc (09022015). Collection method: clinical testing. Allele origin: germline.
Comment: This sequence change creates a premature translational stop signal (p.Arg241*) in the GYS1 gene. It is expected to result in an absent or disrupted protein product. Loss-of-function variants in GYS1 are known to be pathogenic (PMID: 17928598, 19699667). The frequency data for this variant in the population databases is considered unreliable, as metrics indicate poor data quality at this position in the gnomAD database. This variant has not been reported in the literature in individuals affected with GYS1-related conditions. ClinVar contains an entry for this variant (Variation ID: 2182696). For these reasons, this variant has been classified as Pathogenic.

Literature cited by the submitters: PubMed 17928598; PubMed 19699667.

NM_002103.5(GYS1):c.721C>T (p.Arg241Ter)

Gene: GYS1 (glycogen synthase 1; minus strand). Cytogenetic location: 19q13.33.
Variant type: single nucleotide variant.
Coding change: c.721C>T on transcript NM_002103.5 (MANE Select); coding-DNA position 721, C replaced by T.
Protein change: p.Arg241Ter; replaces arginine 241 with a stop codon.
Molecular consequence: nonsense. On other transcripts: non-coding transcript variant (1).
Genome position (GRCh38, 1-based): chr19:48,985,563, G>A on the plus strand (C>T on the coding strand, the complement: GYS1 is on the minus strand). VCF-style: chr19-48985563-G-A. GRCh37 (hg19) VCF-style: chr19-49488820-G-A.
Other names: c.529C>T, p.Arg177Ter (NM_001161587.2); short protein forms R241*, R177*.
Identifiers: ClinVar variation 2182696 (VCV002182696.4), dbSNP rs772991517, ClinGen allele CA9563239.